The following is an entry in ClinVar:

ClinVar aggregate classification (germline): Conflicting classifications of pathogenicity. Review status: criteria provided, conflicting classifications (1 of 4 stars). 2 submissions from 2 submitters: Pathogenic (1); Uncertain significance (1). Last evaluated 2026-02-16.

Conditions:
Tuberous sclerosis 1 (TSC1). Identifiers: Orphanet 805, MedGen C1854465, MONDO:0008612, OMIM 191100.

Submissions (2):

Institute of Human Genetics, University of Leipzig Medical Center
Classification: Pathogenic for Tuberous sclerosis 1. Last evaluated: 2026-02-16. Review status: criteria provided, single submitter. Criteria: ACMG Guidelines, 2015. Collection method: clinical testing. Allele origin: unknown. Inheritance: Autosomal dominant inheritance. Affected: yes.
Comment: Criteria applied: PVS1,PM2,PP4_MOD

Genomic Medicine Center of Excellence, King Faisal Specialist Hospital and Research Centre
Classification: Uncertain significance for Tuberous sclerosis 1. Last evaluated: 2024-03-29. Review status: criteria provided, single submitter. Criteria: ACMG Guidelines, 2015. Collection method: clinical testing. Allele origin: germline.

NM_000368.5(TSC1):c.2787T>A (p.Tyr929Ter)

Gene: TSC1 (TSC complex subunit 1; minus strand). Cytogenetic location: 9q34.13.
Variant type: single nucleotide variant.
Coding change: c.2787T>A on transcript NM_000368.5 (MANE Select); coding-DNA position 2787, T replaced by A.
Protein change: p.Tyr929Ter; replaces tyrosine 929 with a stop codon.
Molecular consequence: nonsense. On other transcripts: non-coding transcript variant (5).
Genome position (GRCh38, 1-based): chr9:132,897,449, A>T on the plus strand (T>A on the coding strand, the complement: TSC1 is on the minus strand). VCF-style: chr9-132897449-A-T. GRCh37 (hg19) VCF-style: chr9-135772836-A-T.
Other names: c.2784T>A, p.Tyr928Ter (NM_001162426.2, NM_001406597.1, NM_001406598.1 and 2 more transcripts); c.2634T>A, p.Tyr878Ter (NM_001162427.2, NM_001406610.1); c.2424T>A, p.Tyr808Ter (NM_001362177.2, NM_001406614.1, NM_001406615.1 and 4 more transcripts); c.2787T>A, p.Tyr929Ter (NM_001406592.1, NM_001406593.1, NM_001406594.1 and 2 more transcripts); c.2772T>A, p.Tyr924Ter (NM_001406601.1, NM_001406602.1); c.2769T>A, p.Tyr923Ter (NM_001406603.1, NM_001406604.1); c.2745T>A, p.Tyr915Ter (NM_001406605.1, NM_001406606.1, NM_001406607.1); c.2742T>A, p.Tyr914Ter (NM_001406608.1, NM_001406609.1); and 8 more; short protein forms Y578*, Y611*, Y612*, Y793*, Y794*, Y807*, Y808*, Y863*.
Identifiers: ClinVar variation 3065946 (VCV003065946.2), dbSNP rs753980869, ClinGen allele CA375369088.